The following is an entry in ClinVar:

ClinVar aggregate classification (germline): Uncertain significance (1 of 4 stars; one submission).

Submission:

Labcorp Genetics (formerly Invitae), Labcorp
Classification: Uncertain significance. Last evaluated: 2024-05-22. Review status: criteria provided, single submitter. Criteria: Invitae Variant Classification Sherloc (09022015). Collection method: clinical testing. Allele origin: germline.
Comment: This sequence change replaces glutamic acid, which is acidic and polar, with lysine, which is basic and polar, at codon 623 of the TCF3 protein (p.Glu623Lys). This variant is not present in population databases (gnomAD no frequency). This variant has not been reported in the literature in individuals affected with TCF3-related conditions. Advanced modeling of protein sequence and biophysical properties (such as structural, functional, and spatial information, amino acid conservation, physicochemical variation, residue mobility, and thermodynamic stability) performed at Invitae indicates that this missense variant is expected to disrupt TCF3 protein function with a positive predictive value of 80%. In summary, the available evidence is currently insufficient to determine the role of this variant in disease. Therefore, it has been classified as a Variant of Uncertain Significance.

NM_003200.5(TCF3):c.1867G>A (p.Glu623Lys)

Gene: TCF3 (transcription factor 3; minus strand). Cytogenetic location: 19p13.3.
Variant type: single nucleotide variant.
Coding change: c.1867G>A on transcript NM_003200.5 (MANE Select); coding-DNA position 1867, G replaced by A.
Protein change: p.Glu623Lys; replaces glutamic acid 623 with lysine.
Molecular consequence: missense variant.
Genome position (GRCh38, 1-based): chr19:1,611,805, C>T on the plus strand (G>A on the coding strand, the complement: TCF3 is on the minus strand). VCF-style: chr19-1611805-C-T. GRCh37 (hg19) VCF-style: chr19-1611804-C-T.
Other names: c.1858G>A, p.Glu620Lys (NM_001136139.4, NM_001351779.2); c.1864G>A, p.Glu622Lys (NM_001351778.2); short protein forms E620K, E622K, E623K.
Identifiers: ClinVar variation 2806746 (VCV002806746.3), dbSNP rs1343124101, ClinGen allele CA403048192.
Genomic context (GRCh38, chr19:1,611,805, plus strand): 5'-CTGGGTGGGGAGCTGAAAGCACCATCTGGGGGTCTCCAACCACACCTGACACCTTTTCCT[C>T]TTCTCGCCGTTTCAAACAGGCTGCTTTGGGATTCAGGTTCCGCTCTGGAGGGAGGGGGGA-3'
Protein context (NP_003191.1, residues 613-633): PKAACLKRRE[Glu623Lys]EKVSGVVGDP